The following is an entry in ClinVar:

NM_015346.4(ZFYVE26):c.6195_6210dup (p.Met2071fs)

Gene: ZFYVE26 (zinc finger FYVE-type containing 26; minus strand). Cytogenetic location: 14q24.1.
Variant type: Duplication.
Coding change: c.6195_6210dup on transcript NM_015346.4 (MANE Select); coding-DNA positions 6195 to 6210, 16 bases duplicated (GTGGCATGCTTGGGGC).
Protein change: p.Met2071fs; shifts the reading frame from methionine 2071.
Molecular consequence: frameshift variant.
Genome position (GRCh38, 1-based): chr14:67,762,362-67,762,377, GCCCCAAGCATGCCAC duplicated on the plus strand (GTGGCATGCTTGGGGC on the coding strand, the reverse complement: ZFYVE26 is on the minus strand); duplicating any 16 consecutive bases within chr14:67,762,362-67,762,382 gives the same sequence; the c. name uses the placement nearest the transcript's 3' end. VCF-style (leftmost placement, unchanged base first): chr14-67762361-T-TGCCCCAAGCATGCCAC. GRCh37 (hg19) VCF-style: chr14-68229078-T-TGCCCCAAGCATGCCAC.
Other names: short protein forms M2071fs.
Identifiers: ClinVar variation 5013913 (VCV005013913.1).

ClinVar aggregate classification (germline): Pathogenic (1 of 4 stars; one submission).

Conditions:
Hereditary spastic paraplegia 15 (SPG15). Also called: SPASTIC PARAPLEGIA 15, AUTOSOMAL RECESSIVE; KJELLIN SYNDROME; SPASTIC PARAPLEGIA AND RETINAL DEGENERATION. Identifiers: Orphanet 100996, MedGen C1849128, MONDO:0010044, OMIM 270700.

Submission:

Myriad Genetics, Inc.
Classification: Pathogenic for Hereditary spastic paraplegia 15. Last evaluated: 2025-01-03. Review status: criteria provided, single submitter. Criteria: Myriad Autosomal Dominant, Autosomal Recessive and X-Linked Classification Criteria (2023). Collection method: clinical testing. Allele origin: unknown.
Comment: NM_015346.3(ZFYVE26):c.6195_6210dup16(M2071Vfs*30) is expected to be pathogenic in the context of spastic paraplegia type 15. This variant is predicted to lead to an abnormal or absent protein product due to the creation of a premature termination codon in ZFYVE26, a gene where loss-of-function variants are known to be pathogenic. Please note: this variant was assessed in the context of healthy population screening.